The following is an entry in ClinVar:

NM_003587.5(DHX16):c.2792C>T (p.Ser931Phe)

Gene: DHX16 (DEAH-box helicase 16; minus strand). Cytogenetic location: 6p21.33.
Variant type: single nucleotide variant.
Coding change: c.2792C>T on transcript NM_003587.5 (MANE Select); coding-DNA position 2792, C replaced by T.
Protein change: p.Ser931Phe; replaces serine 931 with phenylalanine.
Molecular consequence: missense variant.
Genome position (GRCh38, 1-based): chr6:30,655,206, G>A on the plus strand (C>T on the coding strand, the complement: DHX16 is on the minus strand). VCF-style: chr6-30655206-G-A. GRCh37 (hg19) VCF-style: chr6-30622983-G-A.
Other names: c.2612C>T, p.Ser871Phe (NM_001164239.2); c.1349C>T, p.Ser450Phe (NM_001363515.2); short protein forms S450F, S871F, S931F.
Identifiers: ClinVar variation 4282138 (VCV004282138.1).

ClinVar aggregate classification (germline): Uncertain significance (1 of 4 stars; one submission).

gnomAD v4.1: 1 of 1,614,178 alleles (0.000062%); highest among the groups gnomAD compares: Non-Finnish European, 0.000085%; no homozygotes.

Submission:

GeneDx
Classification: Uncertain significance. Last evaluated: 2025-04-11. Review status: criteria provided, single submitter. Criteria: GeneDx Variant Classification Process June 2021. Collection method: clinical testing. Allele origin: germline. Affected: yes.
Comment: Not observed at significant frequency in large population cohorts (gnomAD); In silico analysis supports that this missense variant has a deleterious effect on protein structure/function; Has not been previously published as pathogenic or benign to our knowledge